The following is an entry in ClinVar:

NM_181703.4(GJA5):c.658C>T (p.Leu220Phe)

Genes: GJA5 (gap junction protein alpha 5; minus strand), LOC122128420 (Sharpr-MPRA regulatory region 3144; plus strand). Cytogenetic location: 1q21.2.
Variant type: single nucleotide variant.
Coding change: c.658C>T on transcript NM_181703.4 (MANE Select); coding-DNA position 658, C replaced by T.
Protein change: p.Leu220Phe; replaces leucine 220 with phenylalanine.
Molecular consequence: missense variant.
Genome position (GRCh38, 1-based): chr1:147,758,581, G>A on the plus strand (C>T on the coding strand, the complement: GJA5 is on the minus strand). VCF-style: chr1-147758581-G-A. GRCh37 (hg19) VCF-style: chr1-147230689-G-A.
Other names: c.658C>T, p.Leu220Phe (NM_005266.7); short protein forms L220F.
Identifiers: ClinVar variation 1384515 (VCV001384515.6), dbSNP rs1553226912, ClinGen allele CA342395193.
Genomic context (GRCh38, chr1:147,758,581, plus strand): 5'-TGACAAATCGCTGTCTGATCTTCTTCCAGCCCAGGTGGTAGAGTTCAGCCAGGCTAAGGA[G>A]GAGGGACAGTGCAGCCACAGCCAGCATAAAGACAATGAAGACATTCTTCTCTGTGGGCCG-3'
Protein context (NP_859054.1, residues 210-230): FMLAVAALSL[Leu220Phe]LSLAELYHLG

ClinVar aggregate classification (germline): Uncertain significance (1 of 4 stars; one submission).

Conditions:
Atrial standstill 1 (ATRST1). Also called: Atrial standstill, digenic (GJA5/SCN5A); ATRIAL CARDIOMYOPATHY WITH HEART BLOCK; CARDIOMYOPATHY, FAMILIAL, WITH CONDUCTION DISTURBANCE. Identifiers: Orphanet 1344, MedGen C4551959, MONDO:0007171, OMIM 108770.
Atrial fibrillation, familial, 11 (ATFB11). Identifiers: MedGen C3279693, MONDO:0013544, OMIM 614049.

Allele frequency attached by ClinVar (database versions not stated): gnomAD exomes below 0.00001.
gnomAD v4.1: 19 of 1,613,994 alleles (0.0012%); highest among the groups gnomAD compares: Non-Finnish European, 0.0016%; no homozygotes.

Submission:

Labcorp Genetics (formerly Invitae), Labcorp
Classification: Uncertain significance for Atrial fibrillation, familial, 11; Atrial standstill 1. Last evaluated: 2021-08-04. Review status: criteria provided, single submitter. Criteria: Invitae Variant Classification Sherloc (09022015). Collection method: clinical testing. Allele origin: germline.
Comment: In summary, the available evidence is currently insufficient to determine the role of this variant in disease. Therefore, it has been classified as a Variant of Uncertain Significance. Algorithms developed to predict the effect of missense changes on protein structure and function output the following: SIFT: "Not Available"; PolyPhen-2: "Benign"; Align-GVGD: "Not Available". The phenylalanine amino acid residue is found in multiple mammalian species, which suggests that this missense change does not adversely affect protein function. This variant has not been reported in the literature in individuals affected with GJA5-related conditions. This variant is not present in population databases (ExAC no frequency). This sequence change replaces leucine with phenylalanine at codon 220 of the GJA5 protein (p.Leu220Phe). The leucine residue is weakly conserved and there is a small physicochemical difference between leucine and phenylalanine.